The following is an entry in ClinVar:

ClinVar aggregate classification (germline): Uncertain significance (1 of 4 stars; one submission).

Conditions:
Epidermolysis bullosa simplex with nail dystrophy (EBS5D). Identifiers: MedGen C4225309, MONDO:0014661, OMIM 616487.
Epidermolysis bullosa simplex, Ogna type (EBS5A). Also called: EPIDERMOLYSIS BULLOSA SIMPLEX 5A, OGNA TYPE; Pidermolysis bullosa simplex 5A, Ogna type. Identifiers: Orphanet 79401, MedGen C0432317, MONDO:0007555, OMIM 131950.
Autosomal recessive limb-girdle muscular dystrophy type 2Q (LGMDR17). Also called: MUSCULAR DYSTROPHY, LIMB-GIRDLE, AUTOSOMAL RECESSIVE 17. Identifiers: Orphanet 254361, MedGen C3150989, MONDO:0013390, OMIM 613723.
Epidermolysis bullosa simplex 5B, with muscular dystrophy (EBS5B). Also called: EPIDERMOLYSIS BULLOSA SIMPLEX AND LIMB-GIRDLE MUSCULAR DYSTROPHY; Epidermolysis bullosa simplex with muscular dystrophy. Identifiers: Orphanet 257, MedGen C2931072, MONDO:0009181, OMIM 226670.
Epidermolysis bullosa simplex 5C, with pyloric atresia (EBS5C). Also called: PLEC-Related Epidermolysis Bullosa with Pyloric Atresia; Epidermolysis bullosa simplex with pyloric atresia; PLEC1-Related Epidermolysis Bullosa with Pyloric Atresia. Identifiers: Orphanet 158684, MedGen C2677349, MONDO:0012807, OMIM 612138.

Submission:

Labcorp Genetics (formerly Invitae), Labcorp
Classification: Uncertain significance for Autosomal recessive limb-girdle muscular dystrophy type 2Q; Epidermolysis bullosa simplex, Ogna type; Epidermolysis bullosa simplex with nail dystrophy; Epidermolysis bullosa simplex 5C, with pyloric atresia; Epidermolysis bullosa simplex 5B, with muscular dystrophy. Last evaluated: 2025-08-25. Review status: criteria provided, single submitter. Criteria: Invitae Variant Classification Sherloc (09022015). Collection method: clinical testing. Allele origin: germline.
Comment: This sequence change replaces leucine, which is neutral and non-polar, with methionine, which is neutral and non-polar, at codon 1727 of the PLEC protein (p.Leu1727Met). This variant is not present in population databases (gnomAD no frequency). This variant has not been reported in the literature in individuals affected with PLEC-related conditions. Experimental studies and prediction algorithms are not available or were not evaluated, and the functional significance of this variant is currently unknown. In summary, the available evidence is currently insufficient to determine the role of this variant in disease. Therefore, it has been classified as a Variant of Uncertain Significance.

NM_201384.3(PLEC):c.5098C>A (p.Leu1700Met)

Gene: PLEC (plectin; minus strand). Cytogenetic location: 8q24.3.
Variant type: single nucleotide variant.
Coding change: c.5098C>A on transcript NM_201384.3 (MANE Select); coding-DNA position 5098, C replaced by A.
Protein change: p.Leu1700Met; replaces leucine 1700 with methionine.
Molecular consequence: missense variant. On other transcripts: intron variant (1).
Genome position (GRCh38, 1-based): chr8:143,924,831, G>T on the plus strand (C>A on the coding strand, the complement: PLEC is on the minus strand). VCF-style: chr8-143924831-G-T. GRCh37 (hg19) VCF-style: chr8-144998999-G-T.
Other names: c.5179C>A, p.Leu1727Met (NM_000445.5); c.5056C>A, p.Leu1686Met (NM_201378.4); c.5032C>A, p.Leu1678Met (NM_201379.3); c.5509C>A, p.Leu1837Met (NM_201380.4); c.5002C>A, p.Leu1668Met (NM_201381.3); c.5098C>A, p.Leu1700Met (NM_201382.4); c.5110C>A, p.Leu1704Met (NM_201383.3); c.4125+1953C>A (NM_001410941.1); short protein forms L1678M, L1700M, L1837M, L1704M, L1727M, L1668M, L1686M.
Identifiers: ClinVar variation 4785961 (VCV004785961.1).
Genomic context (GRCh38, chr8:143,924,831, plus strand): 5'-CCCGCAGCCGGATCAACTCCTGCTCCGCGGCCAGGCGCTGCTGCGCGGTGCCTTCCGCCA[G>T]CTGCCGCTGCTTCTCCAGCTCTTGTTCAGCCAGCTCCCGCTGCCGGACGGCCTGCTCCTC-3'
Protein context (NP_958786.1, residues 1690-1710): AEQELEKQRQ[Leu1700Met]AEGTAQQRLA